The following is an entry in ClinVar:

ClinVar aggregate classification (germline): Pathogenic (1 of 4 stars; one submission).

Conditions:
Marfan syndrome (MFS). Also called: MARFAN SYNDROME, TYPE I; FBN1-Related Marfan Syndrome; Marfan syndrome type 1; Marfan's syndrome; Marfan syndrome, classic. Identifiers: Orphanet 284963, Orphanet 558, MedGen C0024796, MONDO:0007947, OMIM 154700.
Familial thoracic aortic aneurysm and aortic dissection (TAAD). Also called: Thoracic aortic aneurysms and dissections. Identifiers: Orphanet 91387, MedGen C4707243, MONDO:0019625.

Submission:

Labcorp Genetics (formerly Invitae), Labcorp
Classification: Pathogenic for Marfan syndrome; Familial thoracic aortic aneurysm and aortic dissection. Last evaluated: 2017-12-13. Review status: criteria provided, single submitter. Criteria: Invitae Variant Classification Sherloc (09022015). Collection method: clinical testing. Allele origin: germline.
Comment: This is a large deletion affecting part of exon 25 and extending into intron 25, with one breakpoint at position c.3061 and the other breakpoint at position c.3082+172. This sequence change creates a premature translational stop signal (p.Asn1021Ilefs*7) in the FBN1 gene. It is expected to result in an absent or disrupted protein product. This variant is not present in population databases (ExAC no frequency) and has not been reported in the literature in individuals with a FBN1-related disease. Loss-of-function variants in FBN1 are known to be pathogenic (PMID: 17657824, 19293843). For these reasons, this variant has been classified as Pathogenic.

NM_000138.5(FBN1):c.3061_3082+172del

Gene: FBN1 (fibrillin 1; minus strand). Cytogenetic location: 15q21.1.
Variant type: Deletion.
Coding change: c.3061_3082+172del on transcript NM_000138.5 (MANE Select); coding-DNA position 3061 through 172 bases into the intron after coding-DNA position 3082, 194 bases deleted.
Molecular consequence: splice donor variant.
Genome position (GRCh38, 1-based): chr15:48,489,679-48,489,872, 194 bases deleted. GRCh37 (hg19): chr15:48,781,876-48,782,069.
Identifiers: ClinVar variation 457187 (VCV000457187.1), dbSNP rs1555398753, ClinGen allele CA658656493.